The following is an entry in ClinVar:

NM_001042492.3(NF1):c.1185+3G>C

Gene: NF1 (neurofibromin 1; plus strand). Cytogenetic location: 17q11.2.
Variant type: single nucleotide variant.
Coding change: c.1185+3G>C on transcript NM_001042492.3 (MANE Select); 3 bases into the intron after coding-DNA position 1185, G replaced by C.
Molecular consequence: intron variant.
Genome position (GRCh38, 1-based): chr17:31,201,162, G>C. VCF-style: chr17-31201162-G-C. GRCh37 (hg19) VCF-style: chr17-29528180-G-C.
Other names: c.1185+3G>C (NM_000267.4, NM_001128147.3).
Identifiers: ClinVar variation 5025659 (VCV005025659.1).

ClinVar aggregate classification (germline): Uncertain significance (1 of 4 stars; one submission).

Conditions:
Cardiovascular phenotype. Identifiers: MedGen CN230736.
Hereditary cancer-predisposing syndrome. Also called: Neoplastic Syndromes, Hereditary; Tumor predisposition; Hereditary neoplastic syndrome; Hereditary Cancer Syndrome. Identifiers: Orphanet 140162, MedGen C0027672, MeSH D009386, MONDO:0015356.

Submission:

Ambry Genetics
Classification: Uncertain significance for Cardiovascular phenotype; Hereditary cancer-predisposing syndrome. Last evaluated: 2026-09-08. Review status: criteria provided, single submitter. Criteria: Ambry Variant Classification Scheme 2023. Collection method: clinical testing. Allele origin: germline.
Comment: The c.1185+3G>C intronic variant results from a G to C substitution 3 nucleotides after coding exon 10 in the NF1 gene. This nucleotide position is not well conserved in available vertebrate species. In silico splice site analysis predicts that this alteration will not have any significant effect on splicing. Based on the available evidence, the clinical significance of this variant remains unclear.